The following is an entry in ClinVar:

ClinVar aggregate classification (germline): Likely benign. Review status: criteria provided, multiple submitters, no conflicts (2 of 4 stars). 2 submissions from 2 submitters: Likely benign (2). Last evaluated 2025-12-17.

Conditions:
Inosine triphosphatase deficiency. Also called: INOSINE TRIPHOSPHATE PYROPHOSPHOHYDROLASE DEFICIENCY. Identifiers: MedGen C0342800, MONDO:0013461, OMIM 613850.

Allele frequency attached by ClinVar (database versions not stated): gnomAD 0.00001; TOPMed 0.00002; gnomAD exomes 0.00005 and 0.00006; ExAC 0.00008; ESP Exome Variant Server 0.00008.
gnomAD v4.1: 76 of 1,613,922 alleles (0.0047%); highest among the groups gnomAD compares: South Asian, 0.042%; 1 homozygote.

Submissions (2):

Labcorp Genetics (formerly Invitae), Labcorp
Classification: Likely benign for Inosine triphosphatase deficiency. Last evaluated: 2025-12-17. Review status: criteria provided, single submitter. Criteria: Invitae Variant Classification Sherloc (09022015). Collection method: clinical testing. Allele origin: germline.

CeGaT Center for Human Genetics Tuebingen
Classification: Likely benign. Last evaluated: 2025-04-01. Review status: criteria provided, single submitter. Criteria: CeGaT Center For Human Genetics Tuebingen Variant Classification Criteria Version 2. Collection method: clinical testing. Allele origin: germline. Affected: yes. Observed: 1 variant allele.
Comment: ITPA: BP4, BP7

NM_033453.4(ITPA):c.420C>T (p.Ile140=)

Gene: ITPA (inosine triphosphatase; plus strand). Cytogenetic location: 20p13.
Variant type: single nucleotide variant.
Coding change: c.420C>T on transcript NM_033453.4 (MANE Select); coding-DNA position 420, C replaced by T.
Protein change: p.Ile140=; no amino-acid change (isoleucine 140 retained).
Molecular consequence: synonymous variant. On other transcripts: missense variant (4), non-coding transcript variant (2), intron variant (1).
Genome position (GRCh38, 1-based): chr20:3,221,849, C>T. VCF-style: chr20-3221849-C-T. GRCh37 (hg19) VCF-style: chr20-3202495-C-T.
Other names: c.297C>T, p.Ile99= (NM_001267623.2); c.83C>T, p.Ser28Leu (NM_001324236.2, NM_001324237.2, NM_001324238.2 and 1 more transcripts); c.369C>T, p.Ile123= (NM_181493.4); c.411+3217C>T (NM_001324240.2); short protein forms S28L.
Identifiers: ClinVar variation 1156610 (VCV001156610.16), dbSNP rs374366773, ClinGen allele CA9741313.